The following is an entry in ClinVar:

NM_001009944.3(PKD1):c.10467C>T (p.Asp3489=)

Gene: PKD1 (polycystin 1, transient receptor potential channel interacting; minus strand). Cytogenetic location: 16p13.3.
Variant type: single nucleotide variant.
Coding change: c.10467C>T on transcript NM_001009944.3 (MANE Select); coding-DNA position 10467, C replaced by T.
Protein change: p.Asp3489=; no amino-acid change (aspartic acid 3489 retained).
Molecular consequence: synonymous variant.
Genome position (GRCh38, 1-based): chr16:2,097,180, G>A on the plus strand (C>T on the coding strand, the complement: PKD1 is on the minus strand). VCF-style: chr16-2097180-G-A. GRCh37 (hg19) VCF-style: chr16-2147181-G-A.
Other names: c.10464C>T, p.Asp3488= (NM_000296.4).
Identifiers: ClinVar variation 4997581 (VCV004997581.1).
Genomic context (GRCh38, chr16:2,097,180, plus strand): 5'-CCCCCTCCCCCGAGAGCCGGACACTCACAGGCTGCTGAGCAGGTCCGTTTCCATGTGGGT[G>A]TCTTGGGTAGGGGCTGGGCTGCTGACCCCCTCGGCAAGGACCTGCTGGATCAGGTCTTCA-3'
Protein context (NP_001009944.3, residues 3479-3499): EGVSSPAPTQ[Asp3489=]THMETDLLSS

ClinVar aggregate classification (germline): Likely benign (1 of 4 stars; one submission).

Conditions:
PKD1-related disorder. Also called: PKD1-related condition.

gnomAD v4.1: 6 of 1,557,428 alleles (0.00039%); highest among the groups gnomAD compares: Admixed American, 0.0077%; no homozygotes.

Submission:

PreventionGenetics, part of Exact Sciences
Classification: Likely benign for PKD1-related condition. Last evaluated: 2026-01-18. Review status: criteria provided, single submitter. Criteria: ACMG Guidelines, 2015. Collection method: clinical testing. Allele origin: germline.
Comment: This variant is classified as likely benign based on ACMG/AMP sequence variant interpretation guidelines (Richards et al. 2015 PMID: 25741868, with internal and published modifications).